The following is an entry in ClinVar:

NM_022765.4(MICAL1):c.2318dup (p.Ser774fs)

Gene: MICAL1 (microtubule associated monooxygenase, calponin and LIM domain containing 1; minus strand). Cytogenetic location: 6q21.
Variant type: Duplication.
Coding change: c.2318dup on transcript NM_022765.4 (MANE Select); coding-DNA position 2318, one base duplicated (C; older notation c.2318dupC).
Protein change: p.Ser774fs; shifts the reading frame from serine 774.
Molecular consequence: frameshift variant.
Genome position (GRCh38, 1-based): chr6:109,446,399, G duplicated on the plus strand (C on the coding strand, the reverse complement: MICAL1 is on the minus strand); the first of 2 consecutive G bases (chr6:109,446,399-109,446,400); duplicating either gives the same sequence. VCF-style (leftmost placement, unchanged base first): chr6-109446398-T-TG. GRCh37 (hg19) VCF-style: chr6-109767601-T-TG.
Other names: c.2060dup, p.Ser688fs (NM_001159291.2); c.2375dup, p.Ser793fs (NM_001286613.2); short protein forms S793fs, S688fs, S774fs.
Identifiers: ClinVar variation 1448558 (VCV001448558.6), dbSNP rs761496064, ClinGen allele CA3952929.

ClinVar aggregate classification (germline): Uncertain significance (1 of 4 stars; one submission).

Submission:

Labcorp Genetics (formerly Invitae), Labcorp
Classification: Uncertain significance. Last evaluated: 2025-12-22. Review status: criteria provided, single submitter. Criteria: Invitae Variant Classification Sherloc (09022015). Collection method: clinical testing. Allele origin: germline.
Comment: This sequence change creates a premature translational stop signal (p.Ser793Lysfs*2) in the MICAL1 gene. It is expected to result in an absent or disrupted protein product. However, the current clinical and genetic evidence is not sufficient to establish whether loss-of-function variants in MICAL1 cause disease. This variant is present in population databases (rs761496064, gnomAD 0.01%). This variant has not been reported in the literature in individuals affected with MICAL1-related conditions. ClinVar contains an entry for this variant (Variation ID: 1448558). In summary, the available evidence is currently insufficient to determine the role of this variant in disease. Therefore, it has been classified as a Variant of Uncertain Significance.